The following is an entry in ClinVar:

ClinVar aggregate classification (germline): Likely benign. Review status: criteria provided, multiple submitters, no conflicts (2 of 4 stars). 2 submissions from 2 submitters: Likely benign (2). Last evaluated 2024-03-01.

Allele frequency attached by ClinVar (database versions not stated): gnomAD exomes 0.00004; ExAC 0.00005; gnomAD 0.00005 and 0.00006; ESP Exome Variant Server 0.00009; TOPMed 0.00010; 1000 Genomes Project 30x 0.00042; 1000 Genomes Project 0.00053.
gnomAD v4.1: 29 of 1,209,639 alleles (0.0024%); highest among the groups gnomAD compares: Middle Eastern, 0.046%; no homozygotes.

Submissions (2):

CeGaT Center for Human Genetics Tuebingen
Classification: Likely benign. Last evaluated: 2024-03-01. Review status: criteria provided, single submitter. Criteria: CeGaT Center For Human Genetics Tuebingen Variant Classification Criteria Version 2. Collection method: clinical testing. Allele origin: germline. Affected: yes. Observed: 1 variant allele.
Comment: LAS1L: BP4, BP7, BS2

Labcorp Genetics (formerly Invitae), Labcorp
Classification: Likely benign. Last evaluated: 2018-12-27. Review status: criteria provided, single submitter. Criteria: Invitae Variant Classification Sherloc (09022015). Collection method: clinical testing. Allele origin: germline.

NM_031206.7(LAS1L):c.1248T>A (p.Pro416=)

Gene: LAS1L (LAS1 like ribosome biogenesis factor; minus strand). Cytogenetic location: Xq12.
Variant type: single nucleotide variant.
Coding change: c.1248T>A on transcript NM_031206.7 (MANE Select); coding-DNA position 1248, T replaced by A.
Protein change: p.Pro416=; no amino-acid change (proline 416 retained).
Molecular consequence: synonymous variant. On other transcripts: non-coding transcript variant (1).
Genome position (GRCh38, 1-based): chrX:65,524,108, A>T on the plus strand (T>A on the coding strand, the complement: LAS1L is on the minus strand). VCF-style: chrX-65524108-A-T. GRCh37 (hg19) VCF-style: chrX-64743988-A-T.
Other names: c.1197T>A, p.Pro399= (NM_001170649.2, NM_001375331.1, NM_001375333.1 and 2 more transcripts); c.1071T>A, p.Pro357= (NM_001170650.2); c.1248T>A, p.Pro416= (NM_001375328.1, NM_001375329.1, NM_001375330.1 and 2 more transcripts); c.291T>A, p.Pro97= (NM_001375332.1).
Identifiers: ClinVar variation 715170 (VCV000715170.24), dbSNP rs180689421, ClinGen allele CA10433951.